The following is an entry in ClinVar:

NM_007294.4(BRCA1):c.5416C>T (p.Pro1806Ser)

Gene: BRCA1 (BRCA1 DNA repair associated; minus strand). Cytogenetic location: 17q21.31.
Variant type: single nucleotide variant.
Coding change: c.5416C>T on transcript NM_007294.4 (MANE Select); coding-DNA position 5416, C replaced by T.
Protein change: p.Pro1806Ser; replaces proline 1806 with serine.
Molecular consequence: missense variant. On other transcripts: non-coding transcript variant (1).
Genome position (GRCh38, 1-based): chr17:43,047,694, G>A on the plus strand (C>T on the coding strand, the complement: BRCA1 is on the minus strand). VCF-style: chr17-43047694-G-A. GRCh37 (hg19) VCF-style: chr17-41199711-G-A.
Other names: c.2101C>T, p.Pro701Ser (NM_001408402.1, NM_001408403.1, NM_001408404.1 and 7 more transcripts); c.2098C>T, p.Pro700Ser (NM_001408406.1, NM_001408407.1, NM_001408408.1); c.2095C>T, p.Pro699Ser (NM_001408409.1); c.2032C>T, p.Pro678Ser (NM_001408410.1); c.2029C>T, p.Pro677Ser (NM_001408411.1); c.2026C>T, p.Pro676Ser (NM_001408412.1, NM_001408413.1, NM_001408414.1 and 2 more transcripts); c.1987C>T, p.Pro663Ser (NM_001408423.1, NM_001408424.1, NM_001408421.1 and 1 more transcripts); c.1984C>T, p.Pro662Ser (NM_001408425.1, NM_001408426.1, NM_001408427.1 and 4 more transcripts); and 83 more; short protein forms P677L, P1759S, P1827S, P1806S, P702S, P1677S, P1678S, P1717S.
Identifiers: ClinVar variation 834190 (VCV000834190.15), dbSNP rs80357241, ClinGen allele CA10590624.

ClinVar aggregate classification (germline): Conflicting classifications of pathogenicity. Review status: criteria provided, conflicting classifications (1 of 4 stars). 2 submissions from 2 submitters: Uncertain significance (1); Likely benign (1). Last evaluated 2024-05-16.

Conditions:
Hereditary cancer-predisposing syndrome. Also called: Tumor predisposition; Hereditary Cancer Syndrome; Hereditary neoplastic syndrome; Neoplastic Syndromes, Hereditary. Identifiers: Orphanet 140162, MedGen C0027672, MeSH D009386, MONDO:0015356.
Hereditary breast ovarian cancer syndrome. Also called: Hereditary breast and/or ovarian cancer syndrome; BRCA1- and BRCA2-Associated Hereditary Breast and Ovarian Cancer; Hereditary breast and ovarian cancer syndrome; Hereditary breast and ovarian cancer; Hereditary breast and ovarian cancer syndrome (HBOC); Breast and ovarian cancer. Identifiers: Orphanet 145, MedGen C0677776, MeSH D061325, MONDO:0003582. Disease mechanism: loss of function.

Submissions (3):

Labcorp Genetics (formerly Invitae), Labcorp
Classification: Uncertain significance for Hereditary breast ovarian cancer syndrome. Last evaluated: 2024-05-16. Review status: criteria provided, single submitter. Criteria: Invitae Variant Classification Sherloc (09022015). Collection method: clinical testing. Allele origin: germline.
Comment: This sequence change replaces proline, which is neutral and non-polar, with serine, which is neutral and polar, at codon 1806 of the BRCA1 protein (p.Pro1806Ser). This variant is not present in population databases (gnomAD no frequency). This variant has not been reported in the literature in individuals affected with BRCA1-related conditions. ClinVar contains an entry for this variant (Variation ID: 834190). Advanced modeling performed at Invitae incorporating data from internal and/or published experimental studies (PMID: 30209399) indicates that this missense variant is not expected to disrupt BRCA1 function with a negative predictive value of 95%. Experimental studies have shown that this missense change does not substantially affect BRCA1 function (PMID: 30209399). In summary, the available evidence is currently insufficient to determine the role of this variant in disease. Therefore, it has been classified as a Variant of Uncertain Significance.

Ambry Genetics
Classification: Likely benign for Hereditary cancer-predisposing syndrome. Last evaluated: 2020-12-16. Review status: criteria provided, single submitter. Criteria: Ambry Variant Classification Scheme 2023. Collection method: clinical testing. Allele origin: germline.

Brotman Baty Institute, University of Washington
No classification provided (evidence only). Condition: Breast-ovarian cancer, familial 1. Review status: no classification provided. Collection method: in vitro. Allele origin: not applicable. Functional consequence: functionally_normal. Not counted in ClinVar's aggregate classification.
ClinVar note: "not provided" was previously submitted as the classification for the variant. However, the classification appeared to be based only on an observation of functional data so it was converted to no classification on 2025-07-30.

Literature cited by the submitters: PubMed 30209399 (cited by Labcorp Genetics (formerly Invitae), Labcorp and Ambry Genetics).